The following is an entry in ClinVar:

ClinVar aggregate classification (germline): Uncertain significance (1 of 4 stars; one submission).

Conditions:
Episodic ataxia type 2 (EA2). Also called: CEREBELLAR ATAXIA, PAROXYSMAL, ACETAZOLAMIDE-RESPONSIVE; CEREBELLOPATHY, HEREDITARY PAROXYSMAL; EPISODIC ATAXIA, NYSTAGMUS-ASSOCIATED; ACETAZOLAMIDE-RESPONSIVE HEREDITARY PAROXYSMAL CEREBELLAR ATAXIA; ATAXIA, EPISODIC, WITH NYSTAGMUS; ATAXIA, FAMILIAL PAROXYSMAL. Identifiers: Orphanet 97, MedGen C1720416, MONDO:0007163, OMIM 108500.
Developmental and epileptic encephalopathy, 42 (DEE42A). Also called: Epileptic encephalopathy, early infantile, 42; DEVELOPMENTAL AND EPILEPTIC ENCEPHALOPATHY 42A; EPILEPTIC ENCEPHALOPATHY, EARLY INFANTILE, 42A. Identifiers: MedGen C4310716, MONDO:0014917, OMIM 617106.

Allele frequency attached by ClinVar (database versions not stated): gnomAD exomes below 0.00001.
gnomAD v4.1: 1 of 1,612,678 alleles (0.000062%); highest among the groups gnomAD compares: Non-Finnish European, 0.000085%; no homozygotes.

Submission:

Labcorp Genetics (formerly Invitae), Labcorp
Classification: Uncertain significance for Developmental and epileptic encephalopathy, 42; Episodic ataxia type 2. Last evaluated: 2025-03-03. Review status: criteria provided, single submitter. Criteria: Invitae Variant Classification Sherloc (09022015). Collection method: clinical testing. Allele origin: germline.
Comment: This sequence change replaces alanine, which is neutral and non-polar, with proline, which is neutral and non-polar, at codon 841 of the CACNA1A protein (p.Ala841Pro). This variant is not present in population databases (gnomAD no frequency). This variant has not been reported in the literature in individuals affected with CACNA1A-related conditions. ClinVar contains an entry for this variant (Variation ID: 2951553). Invitae Evidence Modeling of protein sequence and biophysical properties (such as structural, functional, and spatial information, amino acid conservation, physicochemical variation, residue mobility, and thermodynamic stability) indicates that this missense variant is not expected to disrupt CACNA1A protein function with a negative predictive value of 95%. In summary, the available evidence is currently insufficient to determine the role of this variant in disease. Therefore, it has been classified as a Variant of Uncertain Significance.

NM_001127222.2(CACNA1A):c.2518G>C (p.Ala840Pro)

Gene: CACNA1A (calcium voltage-gated channel subunit alpha1 A; minus strand). Cytogenetic location: 19p13.13.
Variant type: single nucleotide variant.
Coding change: c.2518G>C on transcript NM_001127222.2 (MANE Select); coding-DNA position 2518, G replaced by C.
Protein change: p.Ala840Pro; replaces alanine 840 with proline.
Molecular consequence: missense variant.
Genome position (GRCh38, 1-based): chr19:13,299,115, C>G on the plus strand (G>C on the coding strand, the complement: CACNA1A is on the minus strand). VCF-style: chr19-13299115-C-G. GRCh37 (hg19) VCF-style: chr19-13409929-C-G.
Other names: c.2530G>C, p.Ala844Pro (NM_000068.4, NM_023035.3); c.2521G>C, p.Ala841Pro (NM_001127221.2, NM_001174080.2); short protein forms A841P, A844P, A840P.
Identifiers: ClinVar variation 2951553 (VCV002951553.3), dbSNP rs1403123754, ClinGen allele CA404343274.